The following is an entry in ClinVar:

ClinVar aggregate classification (germline): Conflicting classifications of pathogenicity. Review status: criteria provided, conflicting classifications (1 of 4 stars). 3 submissions from 3 submitters: Likely pathogenic (1); Uncertain significance (1); VUS-high (1). Last evaluated 2026-07-01.

Conditions:
Metaphyseal chondrodysplasia, Schmid type (MCDS). Also called: SPONDYLOMETAPHYSEAL DYSPLASIA, JAPANESE TYPE. Identifiers: Orphanet 174, MedGen C0265289, MONDO:0007983, OMIM 156500.

Allele frequency attached by ClinVar (database versions not stated): gnomAD exomes below 0.00001.
gnomAD v4.1: 2 of 1,614,152 alleles (0.00012%); highest among the groups gnomAD compares: Middle Eastern, 0.016%; no homozygotes.

Submissions (3):

Department of Pediatric Genetics, University of Health Sciences, Ankara Bilkent City Children’s Hospital
Classification: Likely pathogenic for Metaphyseal chondrodysplasia, Schmid type. Last evaluated: 2026-07-01. Review status: criteria provided, single submitter. Criteria: ACMG Guidelines, 2015. Collection method: clinical testing. Allele origin: biparental. Affected: yes.
Comment: The c.1954C>T (p.Leu652Phe) variant in the COL10A1 gene (NM_000493.4) is a missense variant located in exon 3. The variant is located within the highly conserved NC1 domain of collagen X, a critical region in which pathogenic variants are known to cluster (PM1). It is absent from population databases, including gnomAD (PM2). Another missense variant affecting the same amino acid residue has previously been reported as pathogenic/likely pathogenic, supporting the application of PM5. Multiple in silico prediction tools supported a deleterious effect on protein function (PP3). In addition, the patient's clinical and radiographic findings were highly specific for Schmid metaphyseal chondrodysplasia, supporting PP4. Based on the ACMG/AMP criteria (PM1, PM2, PM5, PP3, and PP4), the variant was classified as likely pathogenic for Schmid metaphyseal chondrodysplasia (OMIM #156500).

Clinical Genetics and Genomics, Karolinska University Hospital
Classification: VUS-high for Metaphyseal chondrodysplasia, Schmid type. Last evaluated: 2026-04-07. Review status: criteria provided, single submitter. Criteria: ACMG Guidelines, 2015. Collection method: clinical testing. Allele origin: inherited. Affected: yes.
Comment: This disorder is usually inherited in an autosomal dominant manner. Therefore this variant is classified as a variant of unknown clinical significance (PM1, PM2, PP3).

CeGaT Center for Human Genetics Tuebingen
Classification: Uncertain significance. Last evaluated: 2022-07-01. Review status: criteria provided, single submitter. Criteria: CeGaT Center For Human Genetics Tuebingen Variant Classification Criteria Version 2. Collection method: clinical testing. Allele origin: germline. Affected: yes. Observed: 1 variant allele.
Comment: COL10A1: PM1, PM2

NM_000493.4(COL10A1):c.1954C>T (p.Leu652Phe)

Genes: COL10A1 (collagen type X alpha 1 chain; minus strand), NT5DC1 (5'-nucleotidase domain containing 1; plus strand). Cytogenetic location: 6q22.1.
Variant type: single nucleotide variant.
Coding change: c.1954C>T on transcript NM_000493.4 (MANE Select); coding-DNA position 1954, C replaced by T.
Protein change: p.Leu652Phe; replaces leucine 652 with phenylalanine.
Molecular consequence: missense variant. On other transcripts: intron variant (1).
Genome position (GRCh38, 1-based): chr6:116,120,162, G>A on the plus strand (C>T on the coding strand, the complement: COL10A1 is on the minus strand). VCF-style: chr6-116120162-G-A. GRCh37 (hg19) VCF-style: chr6-116441325-G-A.
Other names: c.1954C>T, p.Leu652Phe (NM_001424106.1, NM_001424107.1); c.529+2217G>A (NM_152729.3); short protein forms L652F.
Identifiers: ClinVar variation 2656861 (VCV002656861.26), dbSNP rs2534083650, ClinGen allele CA365386325.